The following is an entry in ClinVar:

NM_006892.4(DNMT3B):c.568C>T (p.Arg190Cys)

Gene: DNMT3B (DNA methyltransferase 3 beta; plus strand). Cytogenetic location: 20q11.21.
Variant type: single nucleotide variant.
Coding change: c.568C>T on transcript NM_006892.4 (MANE Select); coding-DNA position 568, C replaced by T.
Protein change: p.Arg190Cys; replaces arginine 190 with cysteine.
Molecular consequence: missense variant.
Genome position (GRCh38, 1-based): chr20:32,787,365, C>T. VCF-style: chr20-32787365-C-T. GRCh37 (hg19) VCF-style: chr20-31375171-C-T.
Other names: c.442C>T, p.Arg148Cys (NM_001207055.2); c.340C>T, p.Arg114Cys (NM_001207056.2); c.568C>T, p.Arg190Cys (NM_175848.2, NM_175849.2); c.604C>T, p.Arg202Cys (NM_175850.3); short protein forms R190C, R202C, R114C, R148C.
Identifiers: ClinVar variation 2072715 (VCV002072715.4), dbSNP rs140395707, ClinGen allele CA9810256.

ClinVar aggregate classification (germline): Uncertain significance. Review status: criteria provided, multiple submitters, no conflicts (2 of 4 stars). 3 submissions from 3 submitters: Uncertain significance (3). Last evaluated 2024-12-16.

Conditions:
Inborn genetic diseases. Identifiers: MedGen C0950123, MeSH D030342.
DNMT3B-related disorder. Also called: DNMT3B-related condition.
Centromeric instability of chromosomes 1,9 and 16 and immunodeficiency (ICF1). Also called: CENTROMERIC INSTABILITY, IMMUNODEFICIENCY SYNDROME; Immunodeficiency-centromeric instability-facial anomalies; IMMUNE DEFICIENCY, VARIABLE, WITH CENTROMERIC INSTABILITY OF CHROMOSOMES 1, 9, AND 16; IMMUNODEFICIENCY SYNDROME, VARIABLE. Identifiers: Orphanet 2268, MedGen C0398788, MONDO:0000133.

Allele frequency attached by ClinVar (database versions not stated): ExAC 0.00005; gnomAD exomes 0.00008; gnomAD 0.00009; TOPMed 0.00011; ESP Exome Variant Server 0.00023.
gnomAD v4.1: 134 of 1,614,086 alleles (0.0083%); highest among the groups gnomAD compares: African/African-American, 0.019%; no homozygotes.

Submissions (3):

Labcorp Genetics (formerly Invitae), Labcorp
Classification: Uncertain significance for Centromeric instability of chromosomes 1,9 and 16 and immunodeficiency. Last evaluated: 2024-12-16. Review status: criteria provided, single submitter. Criteria: Invitae Variant Classification Sherloc (09022015). Collection method: clinical testing. Allele origin: germline.
Comment: This sequence change replaces arginine, which is basic and polar, with cysteine, which is neutral and slightly polar, at codon 190 of the DNMT3B protein (p.Arg190Cys). This variant is present in population databases (rs140395707, gnomAD 0.02%). This variant has not been reported in the literature in individuals affected with DNMT3B-related conditions. ClinVar contains an entry for this variant (Variation ID: 2072715). Invitae Evidence Modeling of protein sequence and biophysical properties (such as structural, functional, and spatial information, amino acid conservation, physicochemical variation, residue mobility, and thermodynamic stability) has been performed for this missense variant. However, the output from this modeling did not meet the statistical confidence thresholds required to predict the impact of this variant on DNMT3B protein function. In summary, the available evidence is currently insufficient to determine the role of this variant in disease. Therefore, it has been classified as a Variant of Uncertain Significance.

PreventionGenetics, part of Exact Sciences
Classification: Uncertain significance for DNMT3B-related condition. Last evaluated: 2023-08-15. Review status: criteria provided, single submitter. Criteria: ACMG Guidelines, 2015. Collection method: clinical testing. Allele origin: germline.
Comment: The DNMT3B c.568C>T variant is predicted to result in the amino acid substitution p.Arg190Cys. This variant was reported in an individual with Hirschsprung disease (Torroglosa et al 2014. PubMed ID: 24577265). This variant is reported in 0.020% of alleles in individuals of African descent in gnomAD. At this time, the clinical significance of this variant is uncertain due to the absence of conclusive functional and genetic evidence.

Ambry Genetics
Classification: Uncertain significance for Inborn genetic diseases. Last evaluated: 2021-03-18. Review status: criteria provided, single submitter. Criteria: Ambry Variant Classification Scheme 2023. Collection method: clinical testing. Allele origin: germline.
Comment: The c.568C>T (p.R190C) alteration is located in exon 6 (coding exon 5) of the DNMT3B gene. This alteration results from a C to T substitution at nucleotide position 568, causing the arginine (R) at amino acid position 190 to be replaced by a cysteine (C). The p.R190C alteration is predicted to be tolerated by in silico analysis. Based on insufficient or conflicting evidence, the clinical significance of this alteration remains unclear.